The following is an entry in ClinVar:

ClinVar aggregate classification (germline): Uncertain significance (1 of 4 stars; one submission).

Conditions:
Inborn genetic diseases. Identifiers: MedGen C0950123, MeSH D030342.

Submission:

Ambry Genetics
Classification: Uncertain significance for Inborn genetic diseases. Last evaluated: 2026-05-04. Review status: criteria provided, single submitter. Criteria: Ambry Variant Classification Scheme 2023. Collection method: clinical testing. Allele origin: germline.
Comment: The p.D1153Y variant (also known as c.3457G>T), located in coding exon 35 of the FANCA gene, results from a G to T substitution at nucleotide position 3457. The aspartic acid at codon 1153 is replaced by tyrosine, an amino acid with highly dissimilar properties. This amino acid position is conserved. In addition, the in silico prediction for this alteration is inconclusive. Based on the available evidence, the clinical significance of this variant remains unclear.

NM_000135.4(FANCA):c.3457G>T (p.Asp1153Tyr)

Gene: FANCA (FA complementation group A; minus strand). Cytogenetic location: 16q24.3.
Variant type: single nucleotide variant.
Coding change: c.3457G>T on transcript NM_000135.4 (MANE Select); coding-DNA position 3457, G replaced by T.
Protein change: p.Asp1153Tyr; replaces aspartic acid 1153 with tyrosine.
Molecular consequence: missense variant.
Genome position (GRCh38, 1-based): chr16:89,746,640, C>A on the plus strand (G>T on the coding strand, the complement: FANCA is on the minus strand). VCF-style: chr16-89746640-C-A. GRCh37 (hg19) VCF-style: chr16-89813048-C-A.
Other names: c.3457G>T, p.Asp1153Tyr (NM_001286167.3); short protein forms D1153Y.
Identifiers: ClinVar variation 4870862 (VCV004870862.1).